The following is an entry in ClinVar:

NM_004484.4(GPC3):c.53T>C (p.Leu18Ser)

Gene: GPC3 (glypican 3; minus strand). Cytogenetic location: Xq26.2.
Variant type: single nucleotide variant.
Coding change: c.53T>C on transcript NM_004484.4 (MANE Select); coding-DNA position 53, T replaced by C.
Protein change: p.Leu18Ser; replaces leucine 18 with serine.
Molecular consequence: missense variant.
Genome position (GRCh38, 1-based): chrX:133,985,397, A>G on the plus strand (T>C on the coding strand, the complement: GPC3 is on the minus strand). VCF-style: chrX-133985397-A-G. GRCh37 (hg19) VCF-style: chrX-133119424-A-G.
Other names: c.53T>C, p.Leu18Ser (NM_001164617.2, NM_001164618.2, NM_001164619.2); short protein forms L18S.
Identifiers: ClinVar variation 1397841 (VCV001397841.8), dbSNP rs1011652636, ClinGen allele CA414707140.
Genomic context (GRCh38, chrX:133,985,397, plus strand): 5'-ACTTGGTGACAGGTGGCGTCCGGCGGCGGCGGCGGGGGCTGCGCCTGTCCCGGGAAGTCC[A>G]AGCTGAGCAGCATCGCCACCACCAAGCACGCGGTGCGCACGGTCCCGGCCATCCTGCTTC-3'
Protein context (NP_004475.1, residues 8-28): ACLVVAMLLS[Leu18Ser]DFPGQAQPPP

ClinVar aggregate classification (germline): Uncertain significance (1 of 4 stars; one submission).

Conditions:
Wilms tumor 1 (WT1). Also called: Wilms tumor, somatic. Identifiers: Orphanet 654, MedGen CN033288, MONDO:0008679, OMIM 194070.

Submission:

Labcorp Genetics (formerly Invitae), Labcorp
Classification: Uncertain significance for Wilms tumor 1. Last evaluated: 2022-05-18. Review status: criteria provided, single submitter. Criteria: Invitae Variant Classification Sherloc (09022015). Collection method: clinical testing. Allele origin: germline.
Comment: In summary, the available evidence is currently insufficient to determine the role of this variant in disease. Therefore, it has been classified as a Variant of Uncertain Significance. Algorithms developed to predict the effect of missense changes on protein structure and function (SIFT, PolyPhen-2, Align-GVGD) all suggest that this variant is likely to be tolerated. This variant has not been reported in the literature in individuals affected with GPC3-related conditions. This variant is not present in population databases (gnomAD no frequency). This sequence change replaces leucine, which is neutral and non-polar, with serine, which is neutral and polar, at codon 18 of the GPC3 protein (p.Leu18Ser).